The following is an entry in ClinVar:

NM_002471.4(MYH6):c.5696G>A (p.Arg1899His)

Gene: MYH6 (myosin heavy chain 6; minus strand). Cytogenetic location: 14q11.2.
Variant type: single nucleotide variant.
Coding change: c.5696G>A on transcript NM_002471.4 (MANE Select); coding-DNA position 5696, G replaced by A.
Protein change: p.Arg1899His; replaces arginine 1899 with histidine.
Molecular consequence: missense variant.
Genome position (GRCh38, 1-based): chr14:23,382,528, C>T on the plus strand (G>A on the coding strand, the complement: MYH6 is on the minus strand). VCF-style: chr14-23382528-C-T. GRCh37 (hg19) VCF-style: chr14-23851737-C-T.
Other names: short protein forms R1899H.
Identifiers: ClinVar variation 392233 (VCV000392233.33), dbSNP rs61731171, ClinGen allele CA16607592.

ClinVar aggregate classification (germline): Uncertain significance. Review status: criteria provided, multiple submitters, no conflicts (2 of 4 stars). 10 submissions from 10 submitters: Uncertain significance (8). 2 of the submissions do not count toward it. Last evaluated 2026-02-23.

Conditions:
MYH6-related disorder. Also called: MYH6-Related Disorders; MYH6-related condition.
Sick sinus syndrome 3, susceptibility to (SSS3). Identifiers: Orphanet 166282, MedGen C3279791, MONDO:0013568, OMIM 614090.
Hypertrophic cardiomyopathy 1 (CMH1). Also called: Familial hypertrophic cardiomyopathy 1; MYH7-Related Familial Hypertrophic Cardiomyopathy. Identifiers: MedGen C3495498, MONDO:0008647, OMIM 192600.
Atrial septal defect 3 (ASD3). Identifiers: Orphanet 1478, MedGen C3279790, MONDO:0013567, OMIM 614089.
Dilated cardiomyopathy 1EE (CMD1EE). Identifiers: Orphanet 154, MedGen C2750466, MONDO:0013198, OMIM 613252.
Hypertrophic cardiomyopathy 14. Identifiers: MedGen C2750467, MONDO:0013197, OMIM 613251.
Cardiovascular phenotype. Identifiers: MedGen CN230736.

Allele frequency attached by ClinVar (database versions not stated): gnomAD exomes 0.00002; TOPMed 0.00002; ESP Exome Variant Server 0.00008.
gnomAD v4.1: 21 of 1,614,006 alleles (0.0013%); highest among the groups gnomAD compares: Admixed American, 0.0083%; no homozygotes.

Submissions (10):

PreventionGenetics, part of Exact Sciences
Classification: Uncertain significance for MYH6-related condition. Last evaluated: 2026-02-23. Review status: criteria provided, single submitter. Criteria: ACMG Guidelines, 2015. Collection method: clinical testing. Allele origin: germline.
Comment: The MYH6 c.5696G>A variant is predicted to result in the amino acid substitution p.Arg1899His. This variant has been reported as a variant of uncertain significance in individuals with dilated cardiomyopathy or sudden unexplained death (Shanks et al. 2018. PubMed ID: 29915097; Table S4, Verdonschot et al. 2020. PubMed ID: 32880476). This variant has also been reported in the compound heterozygous state in an individual with left ventricular outflow tract obstruction (Table S3, Jin et al. 2017. PubMed ID: 28991257). This variant is reported in 0.0087% of alleles in individuals of Latino descent in gnomAD. At this time, the clinical significance of this variant is uncertain due to the absence of conclusive functional and genetic evidence.

Labcorp Genetics (formerly Invitae), Labcorp
Classification: Uncertain significance for Hypertrophic cardiomyopathy 14. Last evaluated: 2025-04-17. Review status: criteria provided, single submitter. Criteria: Invitae Variant Classification Sherloc (09022015). Collection method: clinical testing. Allele origin: germline.
Comment: This sequence change replaces arginine, which is basic and polar, with histidine, which is basic and polar, at codon 1899 of the MYH6 protein (p.Arg1899His). This variant is present in population databases (rs61731171, gnomAD 0.009%). This missense change has been observed in individual(s) with MYH6-related conditions (PMID: 28991257, 29915097, 32880476). ClinVar contains an entry for this variant (Variation ID: 392233). Invitae Evidence Modeling of protein sequence and biophysical properties (such as structural, functional, and spatial information, amino acid conservation, physicochemical variation, residue mobility, and thermodynamic stability) indicates that this missense variant is expected to disrupt MYH6 protein function with a positive predictive value of 80%. In summary, the available evidence is currently insufficient to determine the role of this variant in disease. Therefore, it has been classified as a Variant of Uncertain Significance.

CeGaT Center for Human Genetics Tuebingen
Classification: Uncertain significance. Last evaluated: 2025-01-01. Review status: criteria provided, single submitter. Criteria: CeGaT Center For Human Genetics Tuebingen Variant Classification Criteria Version 2. Collection method: clinical testing. Allele origin: germline. Affected: yes. Observed: 1 variant allele.

Ambry Genetics
Classification: Uncertain significance for Cardiovascular phenotype. Last evaluated: 2024-09-12. Review status: criteria provided, single submitter. Criteria: Ambry Variant Classification Scheme 2023. Collection method: clinical testing. Allele origin: germline.
Comment: The p.R1899H variant (also known as c.5696G>A), located in coding exon 36 of the MYH6 gene, results from a G to A substitution at nucleotide position 5696. The arginine at codon 1899 is replaced by histidine, an amino acid with highly similar properties. This variant has been reported in an individual with congenital heart defects and an additional MYH6 variant detected (Jin SC et al. Nat. Genet., 2017 Nov;49:1593-1601). This variant was also detected in a sudden unexplained death case; however, clinical details were limited (Jin SC et al. Nat. Genet., 2017 Nov;49:1593-1601). This variant was also reported in a dilated cardiomyopathy (DCM) cohort, and was seen with alterations in other cardiac-related genes (Verdonschot JAJ et al. Circ Genom Precis Med, 2020 10;13:476-487). This amino acid position is highly conserved in available vertebrate species. In addition, this alteration is predicted to be deleterious by in silico analysis. Since supporting evidence is limited at this time, the clinical significance of this alteration remains unclear.

GeneDx
Classification: Uncertain significance. Last evaluated: 2024-03-19. Review status: criteria provided, single submitter. Criteria: GeneDx Variant Classification Process June 2021. Collection method: clinical testing. Allele origin: germline. Affected: yes.
Comment: Reported in association with sudden unexplained death in the young, DCM, and familial stroke (PMID: 29915097, 32880476, 36580209); Reported in conjunction with a second MYH6 variant in association with autosomal recessive Shone complex (PMID: 28991257); In silico analysis supports that this missense variant has a deleterious effect on protein structure/function; This variant is associated with the following publications: (PMID: 29915097, 28991257, 36580209, 32880476, 35621855)

Blueprint Genetics
Classification: Uncertain significance. Last evaluated: 2022-12-01. Review status: criteria provided, single submitter. Criteria: ACMG Guidelines, 2015. Collection method: clinical testing. Allele origin: germline.

AiLife Diagnostics
Classification: Uncertain significance. Last evaluated: 2021-12-02. Review status: criteria provided, single submitter. Criteria: ACMG Guidelines, 2015. Collection method: clinical testing. Allele origin: germline. Affected: yes. Observed: 1 variant allele.

Fulgent Genetics
Classification: Uncertain significance for Hypertrophic cardiomyopathy 1; Hypertrophic cardiomyopathy 14; Dilated cardiomyopathy 1EE; Atrial septal defect 3; Sick sinus syndrome 3, susceptibility to. Last evaluated: 2021-09-20. Review status: criteria provided, single submitter. Criteria: ACMG Guidelines, 2015. Collection method: clinical testing. Allele origin: unknown.

Diagnostic Laboratory, Department of Genetics, University Medical Center Groningen
Classification: Uncertain significance. Review status: no assertion criteria provided. Collection method: clinical testing. Allele origin: germline. Affected: yes. Study: VKGL Data-share Consensus. Not counted in ClinVar's aggregate classification.

Joint Genome Diagnostic Labs from Nijmegen and Maastricht, Radboudumc and MUMC+
Classification: Uncertain significance. Review status: no assertion criteria provided. Collection method: clinical testing. Allele origin: germline. Affected: yes. Study: VKGL Data-share Consensus. Not counted in ClinVar's aggregate classification.

Literature cited by the submitters: PubMed 28991257 (cited by 3 submitters); PubMed 29915097 (cited by 3 submitters); PubMed 32880476 (cited by 3 submitters).